The following is an entry in ClinVar:

ClinVar aggregate classification (germline): Pathogenic. Review status: criteria provided, single submitter (1 of 4 stars). 2 submissions from 2 submitters: Pathogenic (1). 1 of the submissions does not count toward it. Last evaluated 2024-03-02.

Conditions:
Amyotrophic lateral sclerosis type 15. Also called: AMYOTROPHIC LATERAL SCLEROSIS 15 WITH FRONTOTEMPORAL DEMENTIA. Identifiers: Orphanet 803, MedGen C3275459, MONDO:0010459, OMIM 300857.

Submissions (2):

Labcorp Genetics (formerly Invitae), Labcorp
Classification: Pathogenic for Amyotrophic lateral sclerosis type 15. Last evaluated: 2024-03-02. Review status: criteria provided, single submitter. Criteria: Invitae Variant Classification Sherloc (09022015). Collection method: clinical testing. Allele origin: germline.
Comment: This sequence change replaces proline, which is neutral and non-polar, with threonine, which is neutral and polar, at codon 506 of the UBQLN2 protein (p.Pro506Thr). This variant is not present in population databases (gnomAD no frequency). This missense change has been observed in individual(s) with amyotrophic lateral sclerosis (PMID: 21857683). ClinVar contains an entry for this variant (Variation ID: 29952). Algorithms developed to predict the effect of variants on protein structure and function are not available or were not evaluated for this variant. Experimental studies have shown that this missense change affects UBQLN2 function (PMID: 21857683, 25616961, 26075709, 26152284, 27477512, 27834214, 30333186). This variant disrupts the p.Pro506 amino acid residue in UBQLN2. Other variant(s) that disrupt this residue have been observed in individuals with UBQLN2-related conditions (PMID: 23138764, 28716533), which suggests that this may be a clinically significant amino acid residue. For these reasons, this variant has been classified as Pathogenic.

OMIM
Classification: Pathogenic for AMYOTROPHIC LATERAL SCLEROSIS 15 WITH OR WITHOUT FRONTOTEMPORAL DEMENTIA. Last evaluated: 2011-08-21. Review status: no assertion criteria provided. Collection method: literature only. Allele origin: germline. Not counted in ClinVar's aggregate classification.

Literature cited by the submitters: PubMed 21857683 (cited by Labcorp Genetics (formerly Invitae), Labcorp and OMIM); PubMed 25616961 (cited by Labcorp Genetics (formerly Invitae), Labcorp); PubMed 26075709 (cited by Labcorp Genetics (formerly Invitae), Labcorp); PubMed 26152284 (cited by Labcorp Genetics (formerly Invitae), Labcorp); PubMed 27477512 (cited by Labcorp Genetics (formerly Invitae), Labcorp); PubMed 27834214 (cited by Labcorp Genetics (formerly Invitae), Labcorp); PubMed 30333186 (cited by Labcorp Genetics (formerly Invitae), Labcorp); PubMed 23138764 (cited by Labcorp Genetics (formerly Invitae), Labcorp); PubMed 28716533 (cited by Labcorp Genetics (formerly Invitae), Labcorp).

NM_013444.4(UBQLN2):c.1516C>A (p.Pro506Thr)

Gene: UBQLN2 (ubiquilin 2; plus strand). Cytogenetic location: Xp11.21.
Variant type: single nucleotide variant.
Coding change: c.1516C>A on transcript NM_013444.4 (MANE Select); coding-DNA position 1516, C replaced by A.
Protein change: p.Pro506Thr; replaces proline 506 with threonine.
Molecular consequence: missense variant.
Genome position (GRCh38, 1-based): chrX:56,565,389, C>A. VCF-style: chrX-56565389-C-A. GRCh37 (hg19) VCF-style: chrX-56591822-C-A.
Other names: short protein forms P506T.
Identifiers: ClinVar variation 29952 (VCV000029952.3), dbSNP rs387906711, ClinGen allele CA259707.